The following is an entry in ClinVar:

ClinVar aggregate classification (germline): Uncertain significance (1 of 4 stars; one submission).

gnomAD v4.1: 1 of 1,186,589 alleles (0.000084%); highest among the groups gnomAD compares: South Asian, 0.0018%; no homozygotes.

Submission:

GeneDx
Classification: Uncertain significance. Last evaluated: 2024-08-22. Review status: criteria provided, single submitter. Criteria: GeneDx Variant Classification Process June 2021. Collection method: clinical testing. Allele origin: germline. Affected: yes.
Comment: Not observed at significant frequency in large population cohorts (gnomAD); In silico analysis indicates that this missense variant does not alter protein structure/function; Has not been previously published as pathogenic or benign to our knowledge

NM_001079872.2(CUL4B):c.653A>G (p.Asn218Ser)

Gene: CUL4B (cullin 4B; minus strand). Cytogenetic location: Xq24.
Variant type: single nucleotide variant.
Coding change: c.653A>G on transcript NM_001079872.2 (MANE Select); coding-DNA position 653, A replaced by G.
Protein change: p.Asn218Ser; replaces asparagine 218 with serine.
Molecular consequence: missense variant.
Genome position (GRCh38, 1-based): chrX:120,557,943, T>C on the plus strand (A>G on the coding strand, the complement: CUL4B is on the minus strand). VCF-style: chrX-120557943-T-C. GRCh37 (hg19) VCF-style: chrX-119691798-T-C.
Other names: c.668A>G, p.Asn223Ser (NM_001330624.2); c.119A>G, p.Asn40Ser (NM_001369145.1); c.707A>G, p.Asn236Ser (NM_003588.4); short protein forms N218S, N223S, N236S, N40S.
Identifiers: ClinVar variation 3764377 (VCV003764377.1).
Genomic context (GRCh38, chrX:120,557,943, plus strand): 5'-ATTTATGTTAATCAAATCTGGTTATGCATATTAATACATACCTGGTAGAGTTCTTCTAAA[T>C]TGTACTTAATTGAAGTACTATTCTGAATAGCTTCCACTGCTTCTTTCAGTTTTTGCCAGG-3'
Protein context (NP_001073341.1, residues 208-228): AIQNSTSIKY[Asn218Ser]LEELYQAVEN